The following is an entry in ClinVar:

NM_173660.5(DOK7):c.68G>T (p.Trp23Leu)

Gene: DOK7 (docking protein 7; plus strand). Cytogenetic location: 4p16.3.
Variant type: single nucleotide variant.
Coding change: c.68G>T on transcript NM_173660.5 (MANE Select); coding-DNA position 68, G replaced by T.
Protein change: p.Trp23Leu; replaces tryptophan 23 with leucine.
Molecular consequence: missense variant.
Genome position (GRCh38, 1-based): chr4:3,463,519, G>T. VCF-style: chr4-3463519-G-T. GRCh37 (hg19) VCF-style: chr4-3465246-G-T.
Other names: c.68G>T, p.Trp23Leu (NM_001164673.2, NM_001301071.2, NM_001363811.2); short protein forms W23L.
Identifiers: ClinVar variation 1371181 (VCV001371181.8), dbSNP rs2109312461, ClinGen allele CA356112085.

ClinVar aggregate classification (germline): Uncertain significance (1 of 4 stars; one submission).

Conditions:
Congenital myasthenic syndrome 10. Also called: Myasthenia, limb-girdle, familial. Identifiers: Orphanet 590, MedGen C1850792, MONDO:0009690, OMIM 254300.
Fetal akinesia deformation sequence 1 (FADS1). Also called: Pena-Shokeir syndrome type I; Fetal akinesia sequence. Identifiers: Orphanet 994, MedGen C1276035, MONDO:0100101, OMIM 208150, HP:0001989.

Submission:

Labcorp Genetics (formerly Invitae), Labcorp
Classification: Uncertain significance for Congenital myasthenic syndrome 10; Fetal akinesia deformation sequence 1. Last evaluated: 2022-08-23. Review status: criteria provided, single submitter. Criteria: Invitae Variant Classification Sherloc (09022015). Collection method: clinical testing. Allele origin: germline.
Comment: In summary, the available evidence is currently insufficient to determine the role of this variant in disease. Therefore, it has been classified as a Variant of Uncertain Significance. Algorithms developed to predict the effect of missense changes on protein structure and function are either unavailable or do not agree on the potential impact of this missense change (SIFT: "Deleterious"; PolyPhen-2: "Benign"; Align-GVGD: "Class C0"). ClinVar contains an entry for this variant (Variation ID: 1371181). This variant has not been reported in the literature in individuals affected with DOK7-related conditions. This variant is not present in population databases (gnomAD no frequency). This sequence change replaces tryptophan, which is neutral and slightly polar, with leucine, which is neutral and non-polar, at codon 23 of the DOK7 protein (p.Trp23Leu).